The following is an entry in ClinVar:

NM_020800.3(IFT80):c.1949A>G (p.Asn650Ser)

Genes: TRIM59-IFT80 (TRIM59-IFT80 readthrough (NMD candidate); minus strand), IFT80 (intraflagellar transport 80; minus strand). Cytogenetic location: 3q25.33.
Variant type: single nucleotide variant.
Coding change: c.1949A>G on transcript NM_020800.3 (MANE Select); coding-DNA position 1949, A replaced by G.
Protein change: p.Asn650Ser; replaces asparagine 650 with serine.
Molecular consequence: missense variant. On other transcripts: non-coding transcript variant (3).
Genome position (GRCh38, 1-based): chr3:160,277,456, T>C on the plus strand (A>G on the coding strand, the complement: IFT80 is on the minus strand). VCF-style: chr3-160277456-T-C. GRCh37 (hg19) VCF-style: chr3-159995244-T-C.
Other names: c.1538A>G, p.Asn513Ser (NM_001190241.2, NM_001190242.2); short protein forms N650S, N513S.
Identifiers: ClinVar variation 2111289 (VCV002111289.4), dbSNP rs750516669, ClinGen allele CA2685003.

ClinVar aggregate classification (germline): Uncertain significance (1 of 4 stars; one submission).

Conditions:
Jeune thoracic dystrophy. Also called: Jeune syndrome; Infantile thoracic dystrophy; Thoracic pelvic phalangeal dystrophy; Jeune's syndrome; Chondroectodermal dysplasia-like syndrome; Short-rib thoracic dysplasia. Identifiers: Orphanet 474, MedGen C0265275, MONDO:0018770.

Allele frequency attached by ClinVar (database versions not stated): ExAC 0.00001; gnomAD 0.00001.
gnomAD v4.1: 7 of 1,608,588 alleles (0.00044%); highest among the groups gnomAD compares: African/African-American, 0.0013%; no homozygotes.

Submission:

Labcorp Genetics (formerly Invitae), Labcorp
Classification: Uncertain significance for Jeune thoracic dystrophy. Last evaluated: 2022-03-13. Review status: criteria provided, single submitter. Criteria: Invitae Variant Classification Sherloc (09022015). Collection method: clinical testing. Allele origin: germline.
Comment: In summary, the available evidence is currently insufficient to determine the role of this variant in disease. Therefore, it has been classified as a Variant of Uncertain Significance. Algorithms developed to predict the effect of missense changes on protein structure and function (SIFT, PolyPhen-2, Align-GVGD) all suggest that this variant is likely to be tolerated. This variant has not been reported in the literature in individuals affected with IFT80-related conditions. This variant is not present in population databases (gnomAD no frequency). This sequence change replaces asparagine, which is neutral and polar, with serine, which is neutral and polar, at codon 650 of the IFT80 protein (p.Asn650Ser).